The following is an entry in ClinVar:

NM_005687.5(FARSB):c.1641A>C (p.Arg547=)

Gene: FARSB (phenylalanyl-tRNA synthetase subunit beta; minus strand). Cytogenetic location: 2q36.1.
Variant type: single nucleotide variant.
Coding change: c.1641A>C on transcript NM_005687.5 (MANE Select); coding-DNA position 1641, A replaced by C.
Protein change: p.Arg547=; no amino-acid change (arginine 547 retained).
Molecular consequence: synonymous variant. On other transcripts: non-coding transcript variant (1).
Genome position (GRCh38, 1-based): chr2:222,572,000, T>G on the plus strand (A>C on the coding strand, the complement: FARSB is on the minus strand). VCF-style: chr2-222572000-T-G. GRCh37 (hg19) VCF-style: chr2-223436719-T-G.
Other names: c.1641A>C (NM_005687.4).
Identifiers: ClinVar variation 1599295 (VCV001599295.33), dbSNP rs77827981, ClinGen allele CA2136288.

ClinVar aggregate classification (germline): Benign/Likely benign. Review status: criteria provided, multiple submitters, no conflicts (2 of 4 stars). 3 submissions from 3 submitters: Benign (1); Likely benign (1). 1 of the submissions does not count toward it. Last evaluated 2026-01-20.

Conditions:
FARSB-related disorder. Also called: FARSB-related condition.

Allele frequency attached by ClinVar (database versions not stated): gnomAD 0.00039 and 0.00055; gnomAD exomes 0.00047 and 0.00082; TOPMed 0.00052; ExAC 0.00097; 1000 Genomes Project 30x 0.00281; 1000 Genomes Project 0.00319.
gnomAD v4.1: 845 of 1,613,422 alleles (0.052%); highest among the groups gnomAD compares: East Asian, 1.6%; 14 homozygotes.

Submissions (3):

Labcorp Genetics (formerly Invitae), Labcorp
Classification: Benign. Last evaluated: 2026-01-20. Review status: criteria provided, single submitter. Criteria: Invitae Variant Classification Sherloc (09022015). Collection method: clinical testing. Allele origin: germline.

CeGaT Center for Human Genetics Tuebingen
Classification: Likely benign. Last evaluated: 2023-02-01. Review status: criteria provided, single submitter. Criteria: CeGaT Center For Human Genetics Tuebingen Variant Classification Criteria Version 2. Collection method: clinical testing. Allele origin: germline. Affected: yes. Observed: 1 variant allele.
Comment: FARSB: BP4, BP7, BS1

PreventionGenetics, part of Exact Sciences
Classification: Benign for FARSB-related condition. Last evaluated: 2019-05-22. Review status: no assertion criteria provided. Collection method: clinical testing. Allele origin: germline. Not counted in ClinVar's aggregate classification.
Comment: This variant is classified as benign based on ACMG/AMP sequence variant interpretation guidelines (Richards et al. 2015 PMID: 25741868, with internal and published modifications).